The following is an entry in ClinVar:

NC_000014.9:g.100856066T>C

Gene: MEG3 (maternally expressed 3; plus strand). Cytogenetic location: 14q32.2.
Variant type: single nucleotide variant.
Genome position: GRCh38 VCF-style: chr14-100856066-T-C. GRCh37 (hg19) VCF-style: chr14-101322403-T-C.
Identifiers: ClinVar variation 2644545 (VCV002644545.24), dbSNP rs181278439, ClinGen allele CA266873855.

ClinVar aggregate classification (germline): Benign (1 of 4 stars; one submission).

Allele frequency attached by ClinVar (database versions not stated): 1000 Genomes Project 0.00399; 1000 Genomes Project 30x 0.00437; TOPMed 0.00749; gnomAD 0.00776.

Submission:

CeGaT Center for Human Genetics Tuebingen
Classification: Benign. Last evaluated: 2024-06-01. Review status: criteria provided, single submitter. Criteria: CeGaT Center For Human Genetics Tuebingen Variant Classification Criteria Version 2. Collection method: clinical testing. Allele origin: germline. Affected: yes. Observed: 3 variant alleles.
Comment: MEG3: BS1, BS2